The following is an entry in ClinVar:

NM_000026.4(ADSL):c.76A>T (p.Met26Leu)

Gene: ADSL (adenylosuccinate lyase; plus strand). Cytogenetic location: 22q13.1.
Variant type: single nucleotide variant.
Coding change: c.76A>T on transcript NM_000026.4 (MANE Select); coding-DNA position 76, A replaced by T.
Protein change: p.Met26Leu; replaces methionine 26 with leucine.
Molecular consequence: missense variant. On other transcripts: 5 prime UTR variant (1), non-coding transcript variant (1).
Genome position (GRCh38, 1-based): chr22:40,346,634, A>T. VCF-style: chr22-40346634-A-T. GRCh37 (hg19) VCF-style: chr22-40742638-A-T.
Other names: c.76A>T, p.Met26Leu (NM_001123378.3, NM_001363840.3, NM_001410812.1 and 2 more transcripts); c.-62A>T (NM_001317923.2); short protein forms M26L.
Identifiers: ClinVar variation 4710630 (VCV004710630.1).
Genomic context (GRCh38, chr22:40,346,634, plus strand): 5'-GATCATGGTTCGCCCGACAGCTACCGCTCACCTCTTGCCTCCCGCTATGCCAGCCCGGAG[A>T]TGTGCTTCGTGTTTAGCGACAGGTATAAATTCCGGACATGGCGGCAGCTGTGGCTGTGGC-3'
Protein context (NP_000017.1, residues 16-36): PLASRYASPE[Met26Leu]CFVFSDRYKF

ClinVar aggregate classification (germline): Pathogenic (1 of 4 stars; one submission).

Conditions:
Adenylosuccinate lyase deficiency (ADSLD). Also called: ADSL DEFICIENCY. Identifiers: Orphanet 46, MedGen C0268126, MONDO:0007068, OMIM 103050.

gnomAD v4.1: 2 of 1,612,114 alleles (0.00012%); highest among the groups gnomAD compares: Non-Finnish European, 0.00017%; no homozygotes.

Submission:

Labcorp Genetics (formerly Invitae), Labcorp
Classification: Pathogenic for Adenylosuccinate lyase deficiency. Last evaluated: 2025-09-17. Review status: criteria provided, single submitter. Criteria: Invitae Variant Classification Sherloc (09022015). Collection method: clinical testing. Allele origin: germline.
Comment: This sequence change replaces methionine, which is neutral and non-polar, with leucine, which is neutral and non-polar, at codon 26 of the ADSL protein (p.Met26Leu). This variant is not present in population databases (gnomAD no frequency). This missense change has been observed in individual(s) with adenylosuccinate lyase deficiency (PMID: 10090474, 32405461). In at least one individual the data is consistent with being in trans (on the opposite chromosome) from a pathogenic variant. It has also been observed to segregate with disease in related individuals. Invitae Evidence Modeling of protein sequence and biophysical properties (such as structural, functional, and spatial information, amino acid conservation, physicochemical variation, residue mobility, and thermodynamic stability) indicates that this missense variant is not expected to disrupt ADSL protein function with a negative predictive value of 80%. Experimental studies have shown that this missense change affects ADSL function (PMID: 10958654). For these reasons, this variant has been classified as Pathogenic.

Literature cited by the submitters: PubMed 10090474; PubMed 32405461; PubMed 10958654.